The following is an entry in ClinVar:

NM_130837.3(OPA1):c.2218A>G (p.Met740Val)

Gene: OPA1 (OPA1 mitochondrial dynamin like GTPase; plus strand). Cytogenetic location: 3q29.
Variant type: single nucleotide variant.
Coding change: c.2218A>G on transcript NM_130837.3 (MANE Select); coding-DNA position 2218, A replaced by G.
Protein change: p.Met740Val; replaces methionine 740 with valine.
Molecular consequence: missense variant.
Genome position (GRCh38, 1-based): chr3:193,657,119, A>G. VCF-style: chr3-193657119-A-G. GRCh37 (hg19) VCF-style: chr3-193374908-A-G.
Other names: c.1684A>G, p.Met562Val (NM_001354663.2); c.1681A>G, p.Met561Val (NM_001354664.2); c.2053A>G, p.Met685Val (NM_015560.3); c.1945A>G, p.Met649Val (NM_130831.3); c.1999A>G, p.Met667Val (NM_130832.3); c.2056A>G, p.Met686Val (NM_130833.3); c.2107A>G, p.Met703Val (NM_130834.3); c.2110A>G, p.Met704Val (NM_130835.3); and 1 more; short protein forms M561V, M722V, M649V, M703V, M562V, M667V, M685V, M686V.
Identifiers: ClinVar variation 2976201 (VCV002976201.3), dbSNP rs1023896326, ClinGen allele CA355791440.

ClinVar aggregate classification (germline): Uncertain significance (1 of 4 stars; one submission).

gnomAD v4.1: 2 of 1,613,900 alleles (0.00012%); highest among the groups gnomAD compares: Non-Finnish European, 0.00017%; no homozygotes.

Submission:

Labcorp Genetics (formerly Invitae), Labcorp
Classification: Uncertain significance. Last evaluated: 2025-09-26. Review status: criteria provided, single submitter. Criteria: Invitae Variant Classification Sherloc (09022015). Collection method: clinical testing. Allele origin: germline.
Comment: This sequence change replaces methionine, which is neutral and non-polar, with valine, which is neutral and non-polar, at codon 685 of the OPA1 protein (p.Met685Val). This variant is not present in population databases (gnomAD no frequency). This variant has not been reported in the literature in individuals affected with OPA1-related conditions. ClinVar contains an entry for this variant (Variation ID: 2976201). Invitae Evidence Modeling of protein sequence and biophysical properties (such as structural, functional, and spatial information, amino acid conservation, physicochemical variation, residue mobility, and thermodynamic stability) indicates that this missense variant is not expected to disrupt OPA1 protein function with a negative predictive value of 80%. In summary, the available evidence is currently insufficient to determine the role of this variant in disease. Therefore, it has been classified as a Variant of Uncertain Significance.